The following is an entry in ClinVar:

NM_005199.5(CHRNG):c.1010_1011dup (p.Ser338fs)

Gene: CHRNG (cholinergic receptor nicotinic gamma subunit; plus strand). Cytogenetic location: 2q37.1.
Variant type: Microsatellite.
Coding change: c.1010_1011dup on transcript NM_005199.5 (MANE Select); coding-DNA positions 1010 to 1011, 2 bases duplicated (AC; older notation c.1010_1011dupAC).
Protein change: p.Ser338fs; shifts the reading frame from serine 338.
Molecular consequence: frameshift variant.
Genome position (GRCh38, 1-based): chr2:232,543,674-232,543,675, AC duplicated; duplicating any 2 consecutive bases within chr2:232,543,665-232,543,675 gives the same sequence; the c. name uses the placement nearest the transcript's 3' end. VCF-style (leftmost placement, unchanged base first): chr2-232543664-C-CCA. GRCh37 (hg19) VCF-style: chr2-233408374-C-CCA.
Other names: short protein forms S338fs.
Identifiers: ClinVar variation 2724321 (VCV002724321.3), dbSNP rs1692065656, ClinGen allele CA645519423.

ClinVar aggregate classification (germline): Pathogenic (1 of 4 stars; one submission).

Submission:

Labcorp Genetics (formerly Invitae), Labcorp
Classification: Pathogenic. Last evaluated: 2023-12-06. Review status: criteria provided, single submitter. Criteria: Invitae Variant Classification Sherloc (09022015). Collection method: clinical testing. Allele origin: germline.
Comment: This sequence change creates a premature translational stop signal (p.Ser338Thrfs*12) in the CHRNG gene. It is expected to result in an absent or disrupted protein product. Loss-of-function variants in CHRNG are known to be pathogenic (PMID: 16826520). This variant is not present in population databases (gnomAD no frequency). This premature translational stop signal has been observed in individual(s) with CHRNG-related conditions (PMID: 33820833). Algorithms developed to predict the effect of sequence changes on RNA splicing suggest that this variant may disrupt the consensus splice site. For these reasons, this variant has been classified as Pathogenic.

Literature cited by the submitters: PubMed 16826520; PubMed 33820833.